The following is an entry in ClinVar:

NM_001267550.2(TTN):c.57388G>T (p.Glu19130Ter)

Genes: TTN-AS1 (TTN antisense RNA 1; plus strand), TTN (titin; minus strand). Cytogenetic location: 2q31.2.
Variant type: single nucleotide variant.
Coding change: c.57388G>T on transcript NM_001267550.2 (MANE Select); coding-DNA position 57388, G replaced by T.
Protein change: p.Glu19130Ter; replaces glutamic acid 19130 with a stop codon.
Molecular consequence: nonsense.
Genome position (GRCh38, 1-based): chr2:178,597,694, C>A on the plus strand (G>T on the coding strand, the complement: TTN is on the minus strand). VCF-style: chr2-178597694-C-A. GRCh37 (hg19) VCF-style: chr2-179462421-C-A.
Other names: c.52465G>T, p.Glu17489Ter (NM_001256850.1); c.30193G>T, p.Glu10065Ter (NM_003319.4); c.49684G>T, p.Glu16562Ter (NM_133378.4); c.30568G>T, p.Glu10190Ter (NM_133432.3); c.30769G>T, p.Glu10257Ter (NM_133437.4); short protein forms E19130*, E10190*, E10065*, E17489*, E10257*, E16562*.
Identifiers: ClinVar variation 535057 (VCV000535057.10), dbSNP rs1553659628, ClinGen allele CA349521015.

ClinVar aggregate classification (germline): Likely pathogenic. Review status: criteria provided, multiple submitters, no conflicts (2 of 4 stars). 2 submissions from 2 submitters: Likely pathogenic (2). Last evaluated 2025-10-09.

Conditions:
Autosomal recessive limb-girdle muscular dystrophy type 2J (LGMDR10). Also called: Limb-girdle muscular dystrophy, type 2J; MUSCULAR DYSTROPHY, LIMB-GIRDLE, AUTOSOMAL RECESSIVE 10. Identifiers: Orphanet 140922, MedGen C1837342, MONDO:0012127, OMIM 608807.
Dilated cardiomyopathy 1G (CMD1G). Identifiers: Orphanet 154, MedGen C1858763, MONDO:0011400, OMIM 604145.
Cardiovascular phenotype. Identifiers: MedGen CN230736.

Submissions (2):

Labcorp Genetics (formerly Invitae), Labcorp
Classification: Likely pathogenic for Dilated cardiomyopathy 1G; Autosomal recessive limb-girdle muscular dystrophy type 2J. Last evaluated: 2025-10-09. Review status: criteria provided, single submitter. Criteria: Invitae Variant Classification Sherloc (09022015). Collection method: clinical testing. Allele origin: germline.
Comment: This sequence change creates a premature translational stop signal (p.Glu19130*) in the TTN gene. While this is not anticipated to result in nonsense mediated decay, it is expected to create a truncated TTN protein. This variant is not present in population databases (gnomAD no frequency). This variant has not been reported in the literature in individuals affected with TTN-related conditions. ClinVar contains an entry for this variant (Variation ID: 535057). This variant is located in the A band of TTN (PMID: 25589632). Truncating variants in this region are significantly overrepresented in patients affected with dilated cardiomyopathy (PMID: 25589632). Truncating variants in this region have also been reported in individuals affected with autosomal recessive centronuclear myopathy (PMID: 23975875). In summary, the currently available evidence indicates that the variant is pathogenic, but additional data are needed to prove that conclusively. Therefore, this variant has been classified as Likely Pathogenic.

Ambry Genetics
Classification: Likely pathogenic for Cardiovascular phenotype. Last evaluated: 2025-03-20. Review status: criteria provided, single submitter. Criteria: Ambry Variant Classification Scheme 2023. Collection method: clinical testing. Allele origin: germline.
Comment: The p.E10065* variant (also known as c.30193G>T), located in coding exon 121 of the TTN gene, results from a G to T substitution at nucleotide position 30193. This changes the amino acid from a glutamic acid to a stop codon within coding exon 121. This exon is located in the A-band region of the N2-B isoform of the titin protein and is constitutively expressed in TTN transcripts (percent spliced in or PSI 100%). This variant is expected to result in loss of function by premature protein truncation or nonsense-mediated mRNA decay. While truncating variants in TTN are present in 1-3% of the general population, truncating variants in the A-band are the most common cause of dilated cardiomyopathy (Herman DS et al. N. Engl. J. Med., 2012 Feb;366:619-28; Roberts AM et al. Sci Transl Med, 2015 Jan;7:270ra6). TTN truncating variants encoded in constitutive exons (PSI >90%) have been found to be significantly associated with DCM regardless of their position in titin (Schafer S et al. Nat. Genet., 2017 01;49:46-53; Akhtar MM et al. Circ Heart Fail, 2020 Oct;13:e006832; Massier M et al. Clin Genet, 2025 Jan). This variant is considered to be rare based on population cohorts in the Genome Aggregation Database (gnomAD). Based on the majority of available evidence to date, this variant is likely to be pathogenic.

Literature cited by the submitters: PubMed 25589632 (cited by Labcorp Genetics (formerly Invitae), Labcorp); PubMed 23975875 (cited by Labcorp Genetics (formerly Invitae), Labcorp).